The following is an entry in ClinVar:

NM_020461.4(TUBGCP6):c.301T>C (p.Cys101Arg)

Gene: TUBGCP6 (tubulin gamma complex component 6; minus strand). Cytogenetic location: 22q13.33.
Variant type: single nucleotide variant.
Coding change: c.301T>C on transcript NM_020461.4 (MANE Select); coding-DNA position 301, T replaced by C.
Protein change: p.Cys101Arg; replaces cysteine 101 with arginine.
Molecular consequence: missense variant.
Genome position (GRCh38, 1-based): chr22:50,244,159, A>G on the plus strand (T>C on the coding strand, the complement: TUBGCP6 is on the minus strand). VCF-style: chr22-50244159-A-G. GRCh37 (hg19) VCF-style: chr22-50682588-A-G.
Other names: short protein forms C101R.
Identifiers: ClinVar variation 1723751 (VCV001723751.2), dbSNP rs1220790946, ClinGen allele CA412116134.

ClinVar aggregate classification (germline): Uncertain significance (1 of 4 stars; one submission).

Allele frequency attached by ClinVar (database versions not stated): gnomAD exomes 0.00001.
gnomAD v4.1: 7 of 1,613,448 alleles (0.00043%); highest among the groups gnomAD compares: South Asian, 0.0077%; no homozygotes.

Submission:

GeneDx
Classification: Uncertain significance. Last evaluated: 2022-05-13. Review status: criteria provided, single submitter. Criteria: GeneDx Variant Classification Process June 2021. Collection method: clinical testing. Allele origin: germline. Affected: yes.
Comment: Not observed at significant frequency in large population cohorts (gnomAD); In silico analysis supports that this missense variant does not alter protein structure/function; Has not been previously published as pathogenic or benign to our knowledge